The following is an entry in ClinVar:

ClinVar aggregate classification (germline): Uncertain significance. Review status: criteria provided, multiple submitters, no conflicts (2 of 4 stars). 2 submissions from 2 submitters: Uncertain significance (2). Last evaluated 2026-04-14.

Conditions:
Familial intrahepatic cholestasis. Identifiers: Orphanet 284385, MedGen CN296401, MONDO:0017290.
Progressive familial intrahepatic cholestasis type 2. Identifiers: Orphanet 79304, MedGen C3489789, MONDO:0011156, OMIM 601847.

gnomAD v4.1: 1 of 1,613,682 alleles (0.000062%); highest among the groups gnomAD compares: Non-Finnish European, 0.000085%; no homozygotes.

Submissions (2):

Genomenon, Inc
Classification: Uncertain significance for Familial intrahepatic cholestasis. Last evaluated: 2026-04-14. Review status: criteria provided, single submitter. Criteria: Genomenon Sequence Variant Interpretation Standards - Updated. Collection method: curation. Allele origin: germline. Affected: yes.
Comment: ABCB11 p.Met62Lys (c.185T>A) is a missense variant that changes the amino acid at residue 62 from Methionine to Lysine. This variant has been observed in at least one proband with an ABCB11-related disorder (PMID:32793533;20232290). It is absent or not present at a significant frequency in gnomAD. In silico models predict that this variant is possibly or probably damaging. In conclusion, we classify ABCB11 p.Met62Lys (c.185T>A) as a variant of uncertain significance.

Broad Center for Mendelian Genomics, Broad Institute of MIT and Harvard
Classification: Uncertain significance for Progressive familial intrahepatic cholestasis type 2. Last evaluated: 2025-02-04. Review status: criteria provided, single submitter. Criteria: ACMG Guidelines, 2015. Collection method: curation. Allele origin: germline. Inheritance: Autosomal recessive inheritance.
Comment: The p.Met62Lys variant in ABCB11 has been reported in two individuals with BSEP deficiency (PMID: 20232290, 32793533), and has been identified in 0.00008% (1/1179724) of European (non-Finnish) chromosomes by the Genome Aggregation Database (gnomAD). Although this variant has been seen in the general population in a heterozygous state, its frequency is low enough to be consistent with a recessive carrier frequency. Computational prediction tools and conservation analyses suggest that this variant may impact the protein, though this information is not predictive enough to determine pathogenicity. In summary, the clinical significance of the p.Met62Lysvariant is uncertain. ACMG/AMP Criteria applied: PP3_moderate, PM2_supporting (Richards 2015).

Literature cited by the submitters: PubMed 32793533 (cited by Genomenon, Inc); PubMed 20232290 (cited by Genomenon, Inc).

NM_003742.4(ABCB11):c.185T>A (p.Met62Lys)

Gene: ABCB11 (ATP binding cassette subfamily B member 11; minus strand). Cytogenetic location: 2q31.1.
Variant type: single nucleotide variant.
Coding change: c.185T>A on transcript NM_003742.4 (MANE Select); coding-DNA position 185, T replaced by A.
Protein change: p.Met62Lys; replaces methionine 62 with lysine.
Molecular consequence: missense variant.
Genome position (GRCh38, 1-based): chr2:169,013,476, A>T on the plus strand (T>A on the coding strand, the complement: ABCB11 is on the minus strand). VCF-style: chr2-169013476-A-T. GRCh37 (hg19) VCF-style: chr2-169869986-A-T.
Other names: NM_003742.4:c.185T>A; short protein forms M62K.
Identifiers: ClinVar variation 3776886 (VCV003776886.2).